The following is an entry in ClinVar:

ClinVar aggregate classification (germline): Uncertain significance (1 of 4 stars; one submission).

Conditions:
Cystic fibrosis (CF). Also called: MUCOVISCIDOSIS. Identifiers: Orphanet 586, MedGen C0010674, MONDO:0009061, OMIM 219700. Disease mechanism: loss of function.

Submission:

Ambry Genetics
Classification: Uncertain significance for Cystic fibrosis. Last evaluated: 2014-11-03. Review status: criteria provided, single submitter. Criteria: Ambry Variant Classification Scheme 2023. Collection method: clinical testing. Allele origin: germline.
Comment: The p.H1348N variant (also known as c.4042C>A), located in coding exon 25 of the CFTR gene in the NBD2 domain, results from a C to A substitution at nucleotide position 4042. The histidine at codon 1348 is replaced by asparagine, an amino acid with some similar properties. This variant was not reported in population based cohorts in the following databases: Database of Single Nucleotide Polymorphisms (dbSNP), NHLBI Exome Sequencing Project (ESP), and 1000 Genomes Project. Based on protein sequence alignment, this amino acid position is highly conserved in available vertebrate species. In addition, the in silico prediction for this alteration is inconclusive. Since supporting evidence is limited at this time, the clinical significance of this variant remains unclear.

Literature cited by the submitters: PubMed 21576373.

NM_000492.4(CFTR):c.4042C>A (p.His1348Asn)

Gene: CFTR (CF transmembrane conductance regulator; plus strand). Cytogenetic location: 7q31.2.
Variant type: single nucleotide variant.
Coding change: c.4042C>A on transcript NM_000492.4 (MANE Select); coding-DNA position 4042, C replaced by A.
Protein change: p.His1348Asn; replaces histidine 1348 with asparagine.
Molecular consequence: missense variant.
Genome position (GRCh38, 1-based): chr7:117,664,766, C>A. VCF-style: chr7-117664766-C-A. GRCh37 (hg19) VCF-style: chr7-117304820-C-A.
Other names: short protein forms H1348N.
Identifiers: ClinVar variation 1737295 (VCV001737295.2), dbSNP rs2485181778, ClinGen allele CA368982494.